The following is an entry in ClinVar:

NM_005188.4(CBL):c.203G>A (p.Arg68Gln)

Gene: CBL (Cbl proto-oncogene; plus strand). Cytogenetic location: 11q23.3.
Variant type: single nucleotide variant.
Coding change: c.203G>A on transcript NM_005188.4 (MANE Select); coding-DNA position 203, G replaced by A.
Protein change: p.Arg68Gln; replaces arginine 68 with glutamine.
Molecular consequence: missense variant.
Genome position (GRCh38, 1-based): chr11:119,232,455, G>A. VCF-style: chr11-119232455-G-A. GRCh37 (hg19) VCF-style: chr11-119103165-G-A.
Other names: short protein forms R68Q.
Identifiers: ClinVar variation 1328747 (VCV001328747.6), dbSNP rs901321242, ClinGen allele CA229635074.

ClinVar aggregate classification (germline): Uncertain significance. Review status: criteria provided, multiple submitters, no conflicts (2 of 4 stars). 3 submissions from 3 submitters: Uncertain significance (3). Last evaluated 2024-05-30.

Conditions:
Cardiovascular phenotype. Identifiers: MedGen CN230736.

Allele frequency attached by ClinVar (database versions not stated): TOPMed below 0.00001; gnomAD 0.00001; gnomAD exomes 0.00001.
gnomAD v4.1: 9 of 1,613,504 alleles (0.00056%); highest among the groups gnomAD compares: African/African-American, 0.0013%; no homozygotes.

Submissions (3):

GeneDx
Classification: Uncertain significance. Last evaluated: 2024-05-30. Review status: criteria provided, single submitter. Criteria: GeneDx Variant Classification Process June 2021. Collection method: clinical testing. Allele origin: germline. Affected: yes.
Comment: Not observed at significant frequency in large population cohorts (gnomAD); In silico analysis supports that this missense variant does not alter protein structure/function; Has not been previously published as pathogenic or benign to our knowledge; This variant is associated with the following publications: (PMID: 20619386, 18034775)

Ambry Genetics
Classification: Uncertain significance for Cardiovascular phenotype. Last evaluated: 2022-05-09. Review status: criteria provided, single submitter. Criteria: Ambry Variant Classification Scheme 2023. Collection method: clinical testing. Allele origin: germline.
Comment: The p.R68Q variant (also known as c.203G>A), located in coding exon 2 of the CBL gene, results from a G to A substitution at nucleotide position 203. The arginine at codon 68 is replaced by glutamine, an amino acid with highly similar properties. This amino acid position is conserved. In addition, the in silico prediction for this alteration is inconclusive. Since supporting evidence is limited at this time, the clinical significance of this alteration remains unclear.

Blueprint Genetics
Classification: Uncertain significance. Last evaluated: 2019-02-07. Review status: criteria provided, single submitter. Criteria: ACMG Guidelines, 2015. Collection method: clinical testing. Allele origin: germline.